The following is an entry in ClinVar:

NM_001164508.2(NEB):c.5936T>C (p.Val1979Ala)

Gene: NEB (nebulin; minus strand). Cytogenetic location: 2q23.3.
Variant type: single nucleotide variant.
Coding change: c.5936T>C on transcript NM_001164508.2 (MANE Select); coding-DNA position 5936, T replaced by C.
Protein change: p.Val1979Ala; replaces valine 1979 with alanine.
Molecular consequence: missense variant.
Genome position (GRCh38, 1-based): chr2:151,662,169, A>G on the plus strand (T>C on the coding strand, the complement: NEB is on the minus strand). VCF-style: chr2-151662169-A-G. GRCh37 (hg19) VCF-style: chr2-152518683-A-G.
Other names: c.5936T>C, p.Val1979Ala (NM_001164507.2, NM_001271208.2, NM_004543.5); short protein forms V1979A.
Identifiers: ClinVar variation 1517091 (VCV001517091.5), dbSNP rs749553879, ClinGen allele CA1910238.
Genomic context (GRCh38, chr2:151,662,169, plus strand): 5'-AAACACTGCATTATTGAAAGACTTACTTCGTTCATAATTTTTGCATTATTCTGGGCCAAA[A>G]CCATGTTCATCGAGTCCATGAGTGTGGAATACTTCAAAGTGTCTGGGTGCTGGCGGTACT-3'
Protein context (NP_001157980.2, residues 1969-1989): YSTLMDSMNM[Val1979Ala]LAQNNAKIMN

ClinVar aggregate classification (germline): Uncertain significance (1 of 4 stars; one submission).

Conditions:
Nemaline myopathy 2 (NEM2). Also called: Nemaline myopathy 2, autosomal recessive. Identifiers: MedGen C1850569, MONDO:0009725, OMIM 256030.

Allele frequency attached by ClinVar (database versions not stated): ExAC 0.00001.
gnomAD v4.1: 2 of 1,613,418 alleles (0.00012%); highest among the groups gnomAD compares: Admixed American, 0.0033%; no homozygotes.

Submission:

Labcorp Genetics (formerly Invitae), Labcorp
Classification: Uncertain significance for Nemaline myopathy 2. Last evaluated: 2022-07-06. Review status: criteria provided, single submitter. Criteria: Invitae Variant Classification Sherloc (09022015). Collection method: clinical testing. Allele origin: germline.
Comment: This sequence change replaces valine, which is neutral and non-polar, with alanine, which is neutral and non-polar, at codon 1979 of the NEB protein (p.Val1979Ala). This variant is present in population databases (rs749553879, gnomAD 0.003%). This variant has not been reported in the literature in individuals affected with NEB-related conditions. ClinVar contains an entry for this variant (Variation ID: 1517091). Algorithms developed to predict the effect of missense changes on protein structure and function are either unavailable or do not agree on the potential impact of this missense change (SIFT: "Deleterious"; PolyPhen-2: "Not Available"; Align-GVGD: "Class C0"). In summary, the available evidence is currently insufficient to determine the role of this variant in disease. Therefore, it has been classified as a Variant of Uncertain Significance.